The following is an entry in ClinVar:

ClinVar aggregate classification (germline): Uncertain significance (0 of 4 stars; one submission).

Conditions:
MC3R-related disorder. Also called: MC3R-related condition.

Allele frequency attached by ClinVar (database versions not stated): TOPMed 0.00002; gnomAD 0.00003; ESP Exome Variant Server 0.00008; ExAC 0.00010.

Submission:

PreventionGenetics, part of Exact Sciences
Classification: Uncertain significance for MC3R-related condition. Last evaluated: 2024-01-20. Review status: no assertion criteria provided. Collection method: clinical testing. Allele origin: germline.
Comment: The MC3R c.187G>A variant is predicted to result in the amino acid substitution p.Val63Met. To our knowledge, this variant has not been reported in the literature. This variant is reported in 0.049% of alleles in individuals of South Asian descent in gnomAD, including a homozygous individual. Although we suspect that this variant may be benign, at this time, the clinical significance of this variant is uncertain due to the absence of conclusive functional and genetic evidence.

NM_019888.3(MC3R):c.187G>A (p.Val63Met)

Gene: MC3R (melanocortin 3 receptor; plus strand). Cytogenetic location: 20q13.2.
Variant type: single nucleotide variant.
Coding change: c.187G>A on transcript NM_019888.3 (MANE Select); coding-DNA position 187, G replaced by A.
Protein change: p.Val63Met; replaces valine 63 with methionine.
Molecular consequence: missense variant.
Genome position (GRCh38, 1-based): chr20:56,249,030, G>A. VCF-style: chr20-56249030-G-A. GRCh37 (hg19) VCF-style: chr20-54824086-G-A.
Other names: short protein forms V63M.
Identifiers: ClinVar variation 2634254 (VCV002634254.3), dbSNP rs143370838, ClinGen allele CA9916949.